The following is an entry in ClinVar:

ClinVar aggregate classification (germline): Uncertain significance (1 of 4 stars; one submission).

Conditions:
Familial hemophagocytic lymphohistiocytosis 3 (FHL3). Also called: UNC13D-Related Familial Hemophagocytic Lymphohistiocytosis (UNC13D-fHLH). Identifiers: Orphanet 540, MedGen C1837174, MONDO:0012146, OMIM 608898.

Allele frequency attached by ClinVar (database versions not stated): gnomAD exomes 0.00001 and 0.00003; TOPMed 0.00001; ExAC 0.00005.
gnomAD v4.1: 10 of 1,594,312 alleles (0.00063%); highest among the groups gnomAD compares: Middle Eastern, 0.022%; no homozygotes.

Submission:

Labcorp Genetics (formerly Invitae), Labcorp
Classification: Uncertain significance for Familial hemophagocytic lymphohistiocytosis 3. Last evaluated: 2022-07-30. Review status: criteria provided, single submitter. Criteria: Invitae Variant Classification Sherloc (09022015). Collection method: clinical testing. Allele origin: germline.
Comment: This sequence change replaces arginine, which is basic and polar, with histidine, which is basic and polar, at codon 761 of the UNC13D protein (p.Arg761His). The frequency data for this variant in the population databases is considered unreliable, as metrics indicate poor data quality at this position in the gnomAD database. This variant has not been reported in the literature in individuals affected with UNC13D-related conditions. ClinVar contains an entry for this variant (Variation ID: 1373115). Algorithms developed to predict the effect of missense changes on protein structure and function output the following: SIFT: "Not Available"; PolyPhen-2: "Benign"; Align-GVGD: "Not Available". The histidine amino acid residue is found in multiple mammalian species, which suggests that this missense change does not adversely affect protein function. In summary, the available evidence is currently insufficient to determine the role of this variant in disease. Therefore, it has been classified as a Variant of Uncertain Significance.

NM_199242.3(UNC13D):c.2282G>A (p.Arg761His)

Gene: UNC13D (unc-13 homolog D; minus strand). Cytogenetic location: 17q25.1.
Variant type: single nucleotide variant.
Coding change: c.2282G>A on transcript NM_199242.3 (MANE Select); coding-DNA position 2282, G replaced by A.
Protein change: p.Arg761His; replaces arginine 761 with histidine.
Molecular consequence: missense variant.
Genome position (GRCh38, 1-based): chr17:75,834,341, C>T on the plus strand (G>A on the coding strand, the complement: UNC13D is on the minus strand). VCF-style: chr17-75834341-C-T. GRCh37 (hg19) VCF-style: chr17-73830422-C-T.
Other names: short protein forms R761H.
Identifiers: ClinVar variation 1373115 (VCV001373115.5), dbSNP rs760020541, ClinGen allele CA8772621.
Genomic context (GRCh38, chr17:75,834,341, plus strand): 5'-GAAGACGGGATGGGATGGGGTGACTGTGCGGTCGGACAAGGTACCTGCTCGGCCAGGGTG[C>T]GGACGCCAGTGCGGATCTCATGGCCCAGCCCGGCCAGCGCGCTCTGCAGCTGGGCATGCA-3'
Protein context (NP_954712.1, residues 751-771): GLGHEIRTGV[Arg761His]TLAEQLEVGI